The following is an entry in ClinVar:

ClinVar aggregate classification (germline): Uncertain significance (1 of 4 stars; one submission).

Conditions:
IFT172-related disorder. Also called: IFT172-related condition; IFT172-related disorders.

Allele frequency attached by ClinVar (database versions not stated): gnomAD exomes below 0.00001; ExAC 0.00001.
gnomAD v4.1: 2 of 1,614,072 alleles (0.00012%); highest among the groups gnomAD compares: Non-Finnish European, 0.00017%; no homozygotes.

Submission:

PreventionGenetics, part of Exact Sciences
Classification: Uncertain significance for IFT172-related condition. Last evaluated: 2022-11-30. Review status: criteria provided, single submitter. Criteria: ACMG Guidelines, 2015. Collection method: clinical testing. Allele origin: germline.
Comment: The IFT172 c.164C>G variant is predicted to result in the amino acid substitution p.Thr55Ser. To our knowledge, this variant has not been reported in the literature. This variant is reported in 0.00088% of alleles in individuals of European (Non-Finnish) descent in gnomAD. At this time, the clinical significance of this variant is uncertain due to the absence of conclusive functional and genetic evidence.

NM_015662.3(IFT172):c.164C>G (p.Thr55Ser)

Gene: IFT172 (intraflagellar transport 172; minus strand). Cytogenetic location: 2p23.3.
Variant type: single nucleotide variant.
Coding change: c.164C>G on transcript NM_015662.3 (MANE Select); coding-DNA position 164, C replaced by G.
Protein change: p.Thr55Ser; replaces threonine 55 with serine.
Molecular consequence: missense variant.
Genome position (GRCh38, 1-based): chr2:27,485,379, G>C on the plus strand (C>G on the coding strand, the complement: IFT172 is on the minus strand). VCF-style: chr2-27485379-G-C. GRCh37 (hg19) VCF-style: chr2-27708246-G-C.
Other names: c.164C>G, p.Thr55Ser (NM_001410739.1); short protein forms T55S.
Identifiers: ClinVar variation 2636637 (VCV002636637.1), dbSNP rs746462745, ClinGen allele CA1581109.
Genomic context (GRCh38, chr2:27,485,379, plus strand): 5'-ATCAATAGGTTAAATAAGGTACACATGAATACACTGTTTACCTTCATGTCAGCTGGTTTG[G>C]TGGAGAATTTATCTCTCCGTTCTCCATGTTCATCATACAGCAAGACCACTCGGTCCACTG-3'
Protein context (NP_056477.1, residues 45-65): EHGERRDKFS[Thr55Ser]KPADMKYGRK